The following is an entry in ClinVar:

NM_020381.4(PDSS2):c.1003G>A (p.Gly335Arg)

Gene: PDSS2 (decaprenyl diphosphate synthase subunit 2; minus strand). Cytogenetic location: 6q21.
Variant type: single nucleotide variant.
Coding change: c.1003G>A on transcript NM_020381.4 (MANE Select); coding-DNA position 1003, G replaced by A.
Protein change: p.Gly335Arg; replaces glycine 335 with arginine.
Molecular consequence: missense variant.
Genome position (GRCh38, 1-based): chr6:107,210,444, C>T on the plus strand (G>A on the coding strand, the complement: PDSS2 is on the minus strand). VCF-style: chr6-107210444-C-T. GRCh37 (hg19) VCF-style: chr6-107531648-C-T.
Other names: p.Gly335Arg; c.1003G>A (NM_020381.3); short protein forms G335R.
Identifiers: ClinVar variation 1432907 (VCV001432907.7), dbSNP rs17853951, ClinGen allele CA3945967.
Genomic context (GRCh38, chr6:107,210,444, plus strand): 5'-TTCTAAAATCCACTAATTACTACTGGTACCTAAAACAGGAGTAATTTCATTTTACCTCTC[C>T]GATCTGTTTAATCCACAAATCTCTTCCAAGAAATTCCTGATGTAAGACTACAGGAGCTGA-3'
Protein context (NP_065114.3, residues 325-345): LGRDLWIKQI[Gly335Arg]EAQEKGRLDY

ClinVar aggregate classification (germline): Conflicting classifications of pathogenicity. Review status: criteria provided, conflicting classifications (1 of 4 stars). 5 submissions from 5 submitters: Uncertain significance (4); Likely benign (1). Last evaluated 2025-12-04.

Conditions:
Coenzyme Q10 deficiency, primary, 3 (COQ10D3). Identifiers: Orphanet 255249, MedGen C3553358, MONDO:0013838, OMIM 614652.
Inborn genetic diseases. Identifiers: MedGen C0950123, MeSH D030342.

Allele frequency attached by ClinVar (database versions not stated): ExAC 0.00005; gnomAD 0.00005; ESP Exome Variant Server 0.00023.
gnomAD v4.1: 62 of 1,606,650 alleles (0.0039%); highest among the groups gnomAD compares: Non-Finnish European, 0.0049%; 1 homozygote.

Submissions (5):

Mayo Clinic Laboratories, Mayo Clinic
Classification: Uncertain significance. Last evaluated: 2025-12-04. Review status: criteria provided, single submitter. Criteria: ACMG Guidelines, 2015. Collection method: clinical testing. Allele origin: germline. Observed: 1 variant allele.
Comment: BP4_moderate

Ambry Genetics
Classification: Likely benign for Inborn genetic diseases. Last evaluated: 2025-03-28. Review status: criteria provided, single submitter. Criteria: Ambry Variant Classification Scheme 2023. Collection method: clinical testing. Allele origin: germline.

GeneDx
Classification: Uncertain significance. Last evaluated: 2024-11-21. Review status: criteria provided, single submitter. Criteria: GeneDx Variant Classification Process June 2021. Collection method: clinical testing. Allele origin: germline. Affected: yes.
Comment: Not observed at significant frequency in large population cohorts (gnomAD); In silico analysis indicates that this missense variant does not alter protein structure/function; Has not been previously published as pathogenic or benign to our knowledge

Fulgent Genetics
Classification: Uncertain significance for Coenzyme Q10 deficiency, primary, 3. Last evaluated: 2024-05-09. Review status: criteria provided, single submitter. Criteria: ACMG Guidelines, 2015. Collection method: clinical testing. Allele origin: germline.

Labcorp Genetics (formerly Invitae), Labcorp
Classification: Uncertain significance. Last evaluated: 2022-08-23. Review status: criteria provided, single submitter. Criteria: Invitae Variant Classification Sherloc (09022015). Collection method: clinical testing. Allele origin: germline.
Comment: This sequence change replaces glycine, which is neutral and non-polar, with arginine, which is basic and polar, at codon 335 of the PDSS2 protein (p.Gly335Arg). This variant is present in population databases (rs17853951, gnomAD 0.009%). This variant has not been reported in the literature in individuals affected with PDSS2-related conditions. ClinVar contains an entry for this variant (Variation ID: 1432907). Algorithms developed to predict the effect of missense changes on protein structure and function output the following: SIFT: "Tolerated"; PolyPhen-2: "Benign"; Align-GVGD: "Class C0". The arginine amino acid residue is found in multiple mammalian species, which suggests that this missense change does not adversely affect protein function. In summary, the available evidence is currently insufficient to determine the role of this variant in disease. Therefore, it has been classified as a Variant of Uncertain Significance.